The following is an entry in ClinVar:

NM_006231.4(POLE):c.106G>C (p.Glu36Gln)

Gene: POLE (DNA polymerase epsilon, catalytic subunit; minus strand). Cytogenetic location: 12q24.33.
Variant type: single nucleotide variant.
Coding change: c.106G>C on transcript NM_006231.4 (MANE Select); coding-DNA position 106, G replaced by C.
Protein change: p.Glu36Gln; replaces glutamic acid 36 with glutamine.
Molecular consequence: missense variant.
Genome position (GRCh38, 1-based): chr12:132,681,236, C>G on the plus strand (G>C on the coding strand, the complement: POLE is on the minus strand). VCF-style: chr12-132681236-C-G. GRCh37 (hg19) VCF-style: chr12-133257822-C-G.
Other names: c.106G>C (NM_006231.2); short protein forms E36Q.
Identifiers: ClinVar variation 540702 (VCV000540702.10), dbSNP rs370268888, ClinGen allele CA6894444.

ClinVar aggregate classification (germline): Uncertain significance. Review status: criteria provided, multiple submitters, no conflicts (2 of 4 stars). 3 submissions from 3 submitters: Uncertain significance (3). Last evaluated 2026-01-25.

Conditions:
Hereditary cancer-predisposing syndrome. Also called: Neoplastic Syndromes, Hereditary; Hereditary Cancer Syndrome; Hereditary neoplastic syndrome; Tumor predisposition. Identifiers: Orphanet 140162, MedGen C0027672, MeSH D009386, MONDO:0015356.

Allele frequency attached by ClinVar (database versions not stated): ExAC 0.00001; gnomAD 0.00002; TOPMed 0.00002; ESP Exome Variant Server 0.00008.
gnomAD v4.1: 55 of 1,614,112 alleles (0.0034%); highest among the groups gnomAD compares: Non-Finnish European, 0.0047%; no homozygotes.

Submissions (3):

Labcorp Genetics (formerly Invitae), Labcorp
Classification: Uncertain significance. Last evaluated: 2026-01-25. Review status: criteria provided, single submitter. Criteria: Invitae Variant Classification Sherloc (09022015). Collection method: clinical testing. Allele origin: germline.
Comment: This sequence change replaces glutamic acid, which is acidic and polar, with glutamine, which is neutral and polar, at codon 36 of the POLE protein (p.Glu36Gln). This variant is present in population databases (rs370268888, gnomAD 0.003%). This variant has not been reported in the literature in individuals affected with POLE-related conditions. ClinVar contains an entry for this variant (Variation ID: 540702). Invitae Evidence Modeling of protein sequence and biophysical properties (such as structural, functional, and spatial information, amino acid conservation, physicochemical variation, residue mobility, and thermodynamic stability) indicates that this missense variant is not expected to disrupt POLE protein function with a negative predictive value of 80%. In summary, the available evidence is currently insufficient to determine the role of this variant in disease. Therefore, it has been classified as a Variant of Uncertain Significance.

Ambry Genetics
Classification: Uncertain significance for Hereditary cancer-predisposing syndrome. Last evaluated: 2024-12-17. Review status: criteria provided, single submitter. Criteria: Ambry Variant Classification Scheme 2023. Collection method: clinical testing. Allele origin: germline.
Comment: The p.E36Q variant (also known as c.106G>C), located in coding exon 2 of the POLE gene, results from a G to C substitution at nucleotide position 106. The glutamic acid at codon 36 is replaced by glutamine, an amino acid with highly similar properties. This amino acid position is highly conserved in available vertebrate species. In addition, this alteration is predicted to be tolerated by in silico analysis. Based on the available evidence, the clinical significance of this variant remains unclear.

GeneDx
Classification: Uncertain significance. Last evaluated: 2023-05-17. Review status: criteria provided, single submitter. Criteria: GeneDx Variant Classification Process June 2021. Collection method: clinical testing. Allele origin: germline. Affected: yes.
Comment: Not observed at significant frequency in large population cohorts (gnomAD); In silico analysis supports that this missense variant does not alter protein structure/function; Has not been previously published as pathogenic or benign to our knowledge